The following is an entry in ClinVar:

NM_058246.4(DNAJB6):c.470T>A (p.Phe157Tyr)

Gene: DNAJB6 (DnaJ heat shock protein family (Hsp40) member B6; plus strand). Cytogenetic location: 7q36.3.
Variant type: single nucleotide variant.
Coding change: c.470T>A on transcript NM_058246.4 (MANE Select); coding-DNA position 470, T replaced by A.
Protein change: p.Phe157Tyr; replaces phenylalanine 157 with tyrosine.
Molecular consequence: missense variant. On other transcripts: intron variant (1).
Genome position (GRCh38, 1-based): chr7:157,382,369, T>A. VCF-style: chr7-157382369-T-A. GRCh37 (hg19) VCF-style: chr7-157175063-T-A.
Other names: c.470T>A, p.Phe157Tyr (NM_005494.3); c.346+14886T>A (NM_001363676.1); short protein forms F157Y.
Identifiers: ClinVar variation 571480 (VCV000571480.2), dbSNP rs1563137134, ClinGen allele CA370166550.
Genomic context (GRCh38, chr7:157,382,369, plus strand): 5'-CGGGGTCGTTTTTCTCTGCGTTCAGTGGATTTCCGTCTTTTGGAAGTGGATTTTCTTCTT[T>A]TGATACAGGTATTAAATCCCTAGGTTTAATCTCTGTTATCTTAACAGCAGTTAGTACTTA-3'
Protein context (NP_490647.1, residues 147-167): FPSFGSGFSS[Phe157Tyr]DTGFTSFGSL

ClinVar aggregate classification (germline): Uncertain significance (1 of 4 stars; one submission).

Conditions:
Autosomal dominant limb-girdle muscular dystrophy type 1D (DNAJB6) (LGMDD1). Also called: MUSCULAR DYSTROPHY, LIMB-GIRDLE, TYPE 1D; Autosomal dominant limb-girdle muscular dystrophy type 1D; Muscular dystrophy, limb-girdle, autosomal dominant 1; MUSCULAR DYSTROPHY, AUTOSOMAL DOMINANT, WITH RIMMED VACUOLES. Identifiers: Orphanet 34516, MedGen C4721885, MONDO:0021018, OMIM 603511.

Submission:

Labcorp Genetics (formerly Invitae), Labcorp
Classification: Uncertain significance for Muscular Dystrophy, Limb-Girdle, Type 1E. Last evaluated: 2019-07-16. Review status: criteria provided, single submitter. Criteria: Invitae Variant Classification Sherloc (09022015). Collection method: clinical testing. Allele origin: germline.
Comment: This sequence change replaces phenylalanine with tyrosine at codon 157 of the DNAJB6 protein (p.Phe157Tyr). The phenylalanine residue is moderately conserved and there is a small physicochemical difference between phenylalanine and tyrosine. This variant is not present in population databases (ExAC no frequency). This variant has not been reported in the literature in individuals with DNAJB6-related disease. Algorithms developed to predict the effect of missense changes on protein structure and function do not agree on the potential impact of this missense change (SIFT: "Deleterious"; PolyPhen-2: "Benign"; Align-GVGD: "Class C0"). In summary, the available evidence is currently insufficient to determine the role of this variant in disease. Therefore, it has been classified as a Variant of Uncertain Significance.